The following is an entry in ClinVar:

NM_000433.4(NCF2):c.728del (p.Glu243fs)

Gene: NCF2 (neutrophil cytosolic factor 2; minus strand). Cytogenetic location: 1q25.3.
Variant type: Deletion.
Coding change: c.728del on transcript NM_000433.4 (MANE Select); coding-DNA position 728, one base deleted (A; older notation c.728delA).
Protein change: p.Glu243fs; shifts the reading frame from glutamic acid 243.
Molecular consequence: frameshift variant.
Genome position (GRCh38, 1-based): chr1:183,567,331, T deleted on the plus strand (A on the coding strand, the reverse complement: NCF2 is on the minus strand). VCF-style (leftmost placement, unchanged base first): chr1-183567330-CT-C. GRCh37 (hg19) VCF-style: chr1-183536465-CT-C.
Other names: c.728del, p.Glu243fs (NM_001127651.3); c.485del, p.Glu162fs (NM_001190789.2); c.593del, p.Glu198fs (NM_001190794.2); c.620delA, p.Glu207Glyfs (NM_001410895.1); short protein forms E198fs, E243fs, E162fs.
Identifiers: ClinVar variation 2202893 (VCV002202893.4), dbSNP rs2527930575, ClinGen allele CA2573963054.

ClinVar aggregate classification (germline): Pathogenic (1 of 4 stars; one submission).

Conditions:
Granulomatous disease, chronic, autosomal recessive, cytochrome b-positive, type 2. Also called: GRANULOMATOUS DISEASE, CHRONIC, AUTOSOMAL RECESSIVE, 2; Chronic Granulomatous Disease, Autosomal Recessive, Cytochrome b-Positive, Type II; GRANULOMATOUS DISEASE, CHRONIC, DUE TO NCF2 DEFICIENCY; CGD, AUTOSOMAL RECESSIVE CYTOCHROME b-POSITIVE, TYPE II; Chronic granulomatous disease due to deficiency of NCF-2. Identifiers: Orphanet 379, MedGen C1856245, MONDO:0009310, OMIM 233710.

Submission:

Labcorp Genetics (formerly Invitae), Labcorp
Classification: Pathogenic for Granulomatous disease, chronic, autosomal recessive, cytochrome b-positive, type 2. Last evaluated: 2024-02-24. Review status: criteria provided, single submitter. Criteria: Invitae Variant Classification Sherloc (09022015). Collection method: clinical testing. Allele origin: germline.
Comment: This sequence change creates a premature translational stop signal (p.Glu243Glyfs*28) in the NCF2 gene. It is expected to result in an absent or disrupted protein product. Loss-of-function variants in NCF2 are known to be pathogenic (PMID: 10498624, 20167518). This variant is not present in population databases (gnomAD no frequency). This premature translational stop signal has been observed in individual(s) with chronic granulomatous disease (PMID: 10498624). ClinVar contains an entry for this variant (Variation ID: 2202893). For these reasons, this variant has been classified as Pathogenic.

Literature cited by the submitters: PubMed 10498624; PubMed 20167518.